The following is an entry in ClinVar:

NM_001283009.2(RTEL1):c.205G>T (p.Ala69Ser)

Genes: RTEL1 (regulator of telomere elongation helicase 1; plus strand), RTEL1-TNFRSF6B (RTEL1-TNFRSF6B readthrough (NMD candidate); plus strand). Cytogenetic location: 20q13.33.
Variant type: single nucleotide variant.
Coding change: c.205G>T on transcript NM_001283009.2 (MANE Select); coding-DNA position 205, G replaced by T.
Protein change: p.Ala69Ser; replaces alanine 69 with serine.
Molecular consequence: missense variant. On other transcripts: non-coding transcript variant (1), 5 prime UTR variant (1).
Genome position (GRCh38, 1-based): chr20:63,661,400, G>T. VCF-style: chr20-63661400-G-T. GRCh37 (hg19) VCF-style: chr20-62292753-G-T.
Other names: c.-465G>T (NM_001283010.1); c.205G>T, p.Ala69Ser (NM_016434.4, NM_032957.5); short protein forms A69S.
Identifiers: ClinVar variation 4863624 (VCV004863624.1).

ClinVar aggregate classification (germline): Uncertain significance (1 of 4 stars; one submission).

Conditions:
Inborn genetic diseases. Identifiers: MedGen C0950123, MeSH D030342.

Submission:

Ambry Genetics
Classification: Uncertain significance for Inborn genetic diseases. Last evaluated: 2026-06-14. Review status: criteria provided, single submitter. Criteria: Ambry Variant Classification Scheme 2023. Collection method: clinical testing. Allele origin: germline.
Comment: The p.A69S variant (also known as c.205G>T), located in coding exon 2 of the RTEL1 gene, results from a G to T substitution at nucleotide position 205. The alanine at codon 69 is replaced by serine, an amino acid with similar properties. This amino acid position is conserved. In addition, this alteration is predicted to be tolerated by in silico analysis. Based on the available evidence, the clinical significance of this variant remains unclear.